The following is an entry in ClinVar:

ClinVar aggregate classification (germline): Uncertain significance. Review status: criteria provided, multiple submitters, no conflicts (2 of 4 stars). 3 submissions from 3 submitters: Uncertain significance (3). Last evaluated 2023-10-14.

Conditions:
Inborn genetic diseases. Identifiers: MedGen C0950123, MeSH D030342.

Allele frequency attached by ClinVar (database versions not stated): gnomAD 0.00001.
gnomAD v4.1: 21 of 1,613,990 alleles (0.0013%); highest among the groups gnomAD compares: Middle Eastern, 0.016%; 1 homozygote.

Submissions (3):

Ambry Genetics
Classification: Uncertain significance for Inborn genetic diseases. Last evaluated: 2023-10-14. Review status: criteria provided, single submitter. Criteria: Ambry Variant Classification Scheme 2023. Collection method: clinical testing. Allele origin: germline.

Labcorp Genetics (formerly Invitae), Labcorp
Classification: Uncertain significance. Last evaluated: 2022-10-03. Review status: criteria provided, single submitter. Criteria: Invitae Variant Classification Sherloc (09022015). Collection method: clinical testing. Allele origin: germline.
Comment: This sequence change replaces glycine, which is neutral and non-polar, with valine, which is neutral and non-polar, at codon 279 of the TOP3A protein (p.Gly279Val). This variant is present in population databases (rs775029558, gnomAD 0.002%). This variant has not been reported in the literature in individuals affected with TOP3A-related conditions. Algorithms developed to predict the effect of missense changes on protein structure and function are either unavailable or do not agree on the potential impact of this missense change (SIFT: "Not Available"; PolyPhen-2: "Benign"; Align-GVGD: "Not Available"). In summary, the available evidence is currently insufficient to determine the role of this variant in disease. Therefore, it has been classified as a Variant of Uncertain Significance.

Breakthrough Genomics
Classification: Uncertain significance. Review status: criteria provided, single submitter. Criteria: ACMG Guidelines, 2015. Collection method: not provided. Allele origin: germline. Inheritance: Autosomal recessive inheritance. Affected: yes.

NM_004618.5(TOP3A):c.836G>T (p.Gly279Val)

Gene: TOP3A (DNA topoisomerase III alpha; minus strand). Cytogenetic location: 17p11.2.
Variant type: single nucleotide variant.
Coding change: c.836G>T on transcript NM_004618.5 (MANE Select); coding-DNA position 836, G replaced by T.
Protein change: p.Gly279Val; replaces glycine 279 with valine.
Molecular consequence: missense variant.
Genome position (GRCh38, 1-based): chr17:18,301,964, C>A on the plus strand (G>T on the coding strand, the complement: TOP3A is on the minus strand). VCF-style: chr17-18301964-C-A. GRCh37 (hg19) VCF-style: chr17-18205278-C-A.
Other names: c.551G>T, p.Gly184Val (NM_001320759.2); c.836G>T (NM_004618.3); short protein forms G184V, G279V.
Identifiers: ClinVar variation 2183622 (VCV002183622.3), dbSNP rs775029558, ClinGen allele CA8430107.
Genomic context (GRCh38, chr17:18,301,964, plus strand): 5'-AGAACTAGGCAAGCCGTGTGGTTAAAGAGTCGATGCCTTTTCCAGTTGAATTCTACGATA[C>A]CATCTTTGTGGTCATGAGTTACTATATTAAGGAGAGACAAACAGAAAGGCTGTGTCTCAG-3'
Protein context (NP_004609.1, residues 269-289): RIKVTHDHKD[Gly279Val]IVEFNWKRHR